The following is an entry in ClinVar:

NM_014874.4(MFN2):c.1323C>G (p.Leu441=)

Gene: MFN2 (mitofusin 2; plus strand). Cytogenetic location: 1p36.22.
Variant type: single nucleotide variant.
Coding change: c.1323C>G on transcript NM_014874.4 (MANE Select); coding-DNA position 1323, C replaced by G.
Protein change: p.Leu441=; no amino-acid change (leucine 441 retained).
Molecular consequence: synonymous variant.
Genome position (GRCh38, 1-based): chr1:12,004,544, C>G. VCF-style: chr1-12004544-C-G. GRCh37 (hg19) VCF-style: chr1-12064601-C-G.
Other names: c.1323C>G, p.Leu441= (NM_001127660.2).
Identifiers: ClinVar variation 4979477 (VCV004979477.1).

ClinVar aggregate classification (germline): Likely benign (1 of 4 stars; one submission).

Conditions:
MFN2-related disorder. Also called: MFN2-related condition; MFN2-related disorders.

gnomAD v4.1: 1 of 1,614,164 alleles (0.000062%); highest among the groups gnomAD compares: Non-Finnish European, 0.000085%; no homozygotes.

Submission:

PreventionGenetics, part of Exact Sciences
Classification: Likely benign for MFN2-related condition. Last evaluated: 2024-12-03. Review status: criteria provided, single submitter. Criteria: ACMG Guidelines, 2015. Collection method: clinical testing. Allele origin: germline.
Comment: This variant is classified as likely benign based on ACMG/AMP sequence variant interpretation guidelines (Richards et al. 2015 PMID: 25741868, with internal and published modifications).